The following is an entry in ClinVar:

NM_001985.3(ETFB):c.278C>T (p.Pro93Leu)

Gene: ETFB (electron transfer flavoprotein subunit beta; minus strand). Cytogenetic location: 19q13.41.
Variant type: single nucleotide variant.
Coding change: c.278C>T on transcript NM_001985.3 (MANE Select); coding-DNA position 278, C replaced by T.
Protein change: p.Pro93Leu; replaces proline 93 with leucine.
Molecular consequence: missense variant.
Genome position (GRCh38, 1-based): chr19:51,353,229, G>A on the plus strand (C>T on the coding strand, the complement: ETFB is on the minus strand). VCF-style: chr19-51353229-G-A. GRCh37 (hg19) VCF-style: chr19-51856483-G-A.
Other names: p.P93L:CCA>CTA; c.551C>T, p.Pro184Leu (NM_001014763.1); short protein forms P93L, P184L.
Identifiers: ClinVar variation 203696 (VCV000203696.94), dbSNP rs139519507, ClinGen allele CA312492.
Genomic context (GRCh38, chr19:51,353,229, plus strand): 5'-TCTGCCAGCTTGGCCAGGACCCGAGCCACCTGCAGGGGACCCAAGCGTTCTGCTTCTGCT[G>A]GGGGCACCTCCACGTGGATACCTCGGTCTGCACCCATGGCCAGGGCGGTACGAATCGTCT-3'
Protein context (NP_001976.1, residues 83-103): ADRGIHVEVP[Pro93Leu]AEAERLGPLQ

ClinVar aggregate classification (germline): Conflicting classifications of pathogenicity. Review status: criteria provided, conflicting classifications (1 of 4 stars). 7 submissions from 7 submitters: Uncertain significance (5); Likely benign (2). Last evaluated 2026-01-19.

Conditions:
Inborn genetic diseases. Identifiers: MedGen C0950123, MeSH D030342.
Multiple acyl-CoA dehydrogenase deficiency (MADD). Also called: GA II; Glutaric aciduria, type 2; ETHYLMALONIC-ADIPICACIDURIA; Glutaric acidemia type II; GA 2; Glutaric Acidemia type 2. Identifiers: Orphanet 26791, MedGen C0268596, MONDO:0009282, OMIM 231680.

Allele frequency attached by ClinVar (database versions not stated): 1000 Genomes Project 30x 0.00016; 1000 Genomes Project 0.00020; gnomAD exomes 0.00023 and 0.00025; gnomAD 0.00026; ExAC 0.00030; ESP Exome Variant Server 0.00038; TOPMed 0.00040.
gnomAD v4.1: 382 of 1,613,986 alleles (0.024%); highest among the groups gnomAD compares: Admixed American, 0.037%; 1 homozygote.

Submissions (7):

Labcorp Genetics (formerly Invitae), Labcorp
Classification: Uncertain significance for Multiple acyl-CoA dehydrogenase deficiency. Last evaluated: 2026-01-19. Review status: criteria provided, single submitter. Criteria: Invitae Variant Classification Sherloc (09022015). Collection method: clinical testing. Allele origin: germline.
Comment: This sequence change replaces proline, which is neutral and non-polar, with leucine, which is neutral and non-polar, at codon 93 of the ETFB protein (p.Pro93Leu). This variant is present in population databases (rs139519507, gnomAD 0.04%). This variant has not been reported in the literature in individuals affected with ETFB-related conditions. ClinVar contains an entry for this variant (Variation ID: 203696). Invitae Evidence Modeling of protein sequence and biophysical properties (such as structural, functional, and spatial information, amino acid conservation, physicochemical variation, residue mobility, and thermodynamic stability) indicates that this missense variant is not expected to disrupt ETFB protein function with a negative predictive value of 95%. In summary, the available evidence is currently insufficient to determine the role of this variant in disease. Therefore, it has been classified as a Variant of Uncertain Significance.

Ambry Genetics
Classification: Uncertain significance for Inborn genetic diseases. Last evaluated: 2025-08-07. Review status: criteria provided, single submitter. Criteria: Ambry Variant Classification Scheme 2023. Collection method: clinical testing. Allele origin: germline.

Blueprint Genetics
Classification: Uncertain significance. Last evaluated: 2024-10-18. Review status: criteria provided, single submitter. Criteria: ACMG Guidelines, 2015. Collection method: clinical testing. Allele origin: germline.

Mayo Clinic Laboratories, Mayo Clinic
Classification: Uncertain significance. Last evaluated: 2023-06-01. Review status: criteria provided, single submitter. Criteria: ACMG Guidelines, 2015. Collection method: clinical testing. Allele origin: germline. Observed: 2 variant alleles.
Comment: BP4

CeGaT Center for Human Genetics Tuebingen
Classification: Likely benign. Last evaluated: 2023-03-01. Review status: criteria provided, single submitter. Criteria: CeGaT Center For Human Genetics Tuebingen Variant Classification Criteria Version 2. Collection method: clinical testing. Allele origin: germline. Affected: yes. Observed: 2 variant alleles.
Comment: ETFB: BP4, BS2

GeneDx
Classification: Likely benign. Last evaluated: 2021-05-19. Review status: criteria provided, single submitter. Criteria: GeneDx Variant Classification Process June 2021. Collection method: clinical testing. Allele origin: germline. Affected: yes.

ARUP Laboratories, Molecular Genetics and Genomics, ARUP Laboratories
Classification: Uncertain significance. Last evaluated: 2018-05-08. Review status: criteria provided, single submitter. Criteria: ARUP Molecular Germline Variant Investigation Process. Collection method: clinical testing. Allele origin: germline.